The following is an entry in ClinVar:

ClinVar aggregate classification (germline): Uncertain significance (1 of 4 stars; one submission).

Conditions:
Inborn genetic diseases. Identifiers: MedGen C0950123, MeSH D030342.

Submission:

Ambry Genetics
Classification: Uncertain significance for Inborn genetic diseases. Last evaluated: 2025-08-14. Review status: criteria provided, single submitter. Criteria: Ambry Variant Classification Scheme 2023. Collection method: clinical testing. Allele origin: germline.
Comment: The p.V451G variant (also known as c.1352T>G), located in coding exon 1 of the SAMD9 gene, results from a T to G substitution at nucleotide position 1352. The valine at codon 451 is replaced by glycine, an amino acid with dissimilar properties. This amino acid position is conserved. In addition, the in silico prediction for this alteration is inconclusive. Based on the available evidence, the clinical significance of this variant remains unclear.

NM_017654.4(SAMD9):c.1352T>G (p.Val451Gly)

Gene: SAMD9 (sterile alpha motif domain containing 9; minus strand). Cytogenetic location: 7q21.2.
Variant type: single nucleotide variant.
Coding change: c.1352T>G on transcript NM_017654.4 (MANE Select); coding-DNA position 1352, T replaced by G.
Protein change: p.Val451Gly; replaces valine 451 with glycine.
Molecular consequence: missense variant.
Genome position (GRCh38, 1-based): chr7:93,104,746, A>C on the plus strand (T>G on the coding strand, the complement: SAMD9 is on the minus strand). VCF-style: chr7-93104746-A-C. GRCh37 (hg19) VCF-style: chr7-92734059-A-C.
Other names: c.1352T>G, p.Val451Gly (NM_001193307.2); short protein forms V451G.
Identifiers: ClinVar variation 4159151 (VCV004159151.1).